The following is an entry in ClinVar:

NM_001127208.3(TET2):c.5528A>G (p.Asn1843Ser)

Genes: TET2 (tet methylcytosine dioxygenase 2; plus strand), TET2-AS1 (TET2 antisense RNA 1; minus strand). Cytogenetic location: 4q24.
Variant type: single nucleotide variant.
Coding change: c.5528A>G on transcript NM_001127208.3 (MANE Select); coding-DNA position 5528, A replaced by G.
Protein change: p.Asn1843Ser; replaces asparagine 1843 with serine.
Molecular consequence: missense variant.
Genome position (GRCh38, 1-based): chr4:105,276,038, A>G. VCF-style: chr4-105276038-A-G. GRCh37 (hg19) VCF-style: chr4-106197195-A-G.
Other names: short protein forms N1843S.
Identifiers: ClinVar variation 1904076 (VCV001904076.4), dbSNP rs1731204325, ClinGen allele CA357795399.

ClinVar aggregate classification (germline): Uncertain significance (1 of 4 stars; one submission).

Allele frequency attached by ClinVar (database versions not stated): gnomAD exomes below 0.00001; TOPMed below 0.00001; gnomAD 0.00001.
gnomAD v4.1: 3 of 1,551,596 alleles (0.00019%); highest among the groups gnomAD compares: Admixed American, 0.0059%; no homozygotes.

Submission:

Labcorp Genetics (formerly Invitae), Labcorp
Classification: Uncertain significance. Last evaluated: 2022-09-24. Review status: criteria provided, single submitter. Criteria: Invitae Variant Classification Sherloc (09022015). Collection method: clinical testing. Allele origin: germline.
Comment: Algorithms developed to predict the effect of missense changes on protein structure and function (SIFT, PolyPhen-2, Align-GVGD) all suggest that this variant is likely to be tolerated. This sequence change replaces asparagine, which is neutral and polar, with serine, which is neutral and polar, at codon 1843 of the TET2 protein (p.Asn1843Ser). This variant is not present in population databases (gnomAD no frequency). This variant has not been reported in the literature in individuals affected with TET2-related conditions. In summary, the available evidence is currently insufficient to determine the role of this variant in disease. Therefore, it has been classified as a Variant of Uncertain Significance.